The following is an entry in ClinVar:

NM_019888.3(MC3R):c.807C>T (p.Pro269=)

Gene: MC3R (melanocortin 3 receptor; plus strand). Cytogenetic location: 20q13.2.
Variant type: single nucleotide variant.
Coding change: c.807C>T on transcript NM_019888.3 (MANE Select); coding-DNA position 807, C replaced by T.
Protein change: p.Pro269=; no amino-acid change (proline 269 retained).
Molecular consequence: synonymous variant.
Genome position (GRCh38, 1-based): chr20:56,249,650, C>T. VCF-style: chr20-56249650-C-T. GRCh37 (hg19) VCF-style: chr20-54824706-C-T.
Identifiers: ClinVar variation 2826710 (VCV002826710.4), dbSNP rs779397821, ClinGen allele CA9917095.
Genomic context (GRCh38, chr20:56,249,650, plus strand): 5'-CGTGTTCATCTTCTGCTGGGCCCCCTTCTTCCTCCACCTGGTCCTCATCATCACCTGCCC[C>T]ACCAACCCCTACTGCATCTGCTACACTGCCCACTTCAACACCTACCTGGTCCTCATCATG-3'
Protein context (NP_063941.3, residues 259-279): FLHLVLIITC[Pro269=]TNPYCICYTA

ClinVar aggregate classification (germline): Conflicting classifications of pathogenicity. Review status: criteria provided, conflicting classifications (1 of 4 stars). 2 submissions from 2 submitters: Uncertain significance (1); Likely benign (1). Last evaluated 2024-11-12.

Conditions:
MC3R-related disorder. Also called: MC3R-related condition.

Allele frequency attached by ClinVar (database versions not stated): ExAC 0.00001; gnomAD exomes 0.00001.
gnomAD v4.1: 5 of 1,614,046 alleles (0.00031%); highest among the groups gnomAD compares: Admixed American, 0.0067%; no homozygotes.

Submissions (2):

PreventionGenetics, part of Exact Sciences
Classification: Likely benign for MC3R-related condition. Last evaluated: 2024-11-12. Review status: criteria provided, single submitter. Criteria: ACMG Guidelines, 2015. Collection method: clinical testing. Allele origin: germline.
Comment: This variant is classified as likely benign based on ACMG/AMP sequence variant interpretation guidelines (Richards et al. 2015 PMID: 25741868, with internal and published modifications).

Labcorp Genetics (formerly Invitae), Labcorp
Classification: Uncertain significance. Last evaluated: 2024-01-23. Review status: criteria provided, single submitter. Criteria: Invitae Variant Classification Sherloc (09022015). Collection method: clinical testing. Allele origin: germline.
Comment: This sequence change affects codon 269 of the MC3R mRNA. It is a 'silent' change, meaning that it does not change the encoded amino acid sequence of the MC3R protein. This variant is present in population databases (rs779397821, gnomAD 0.009%). This variant has not been reported in the literature in individuals affected with MC3R-related conditions. In summary, the available evidence is currently insufficient to determine the role of this variant in disease. Therefore, it has been classified as a Variant of Uncertain Significance.